The following is an entry in ClinVar:

NM_014000.3(VCL):c.2818C>T (p.Pro940Ser)

Gene: VCL (vinculin; plus strand). Cytogenetic location: 10q22.2.
Variant type: single nucleotide variant.
Coding change: c.2818C>T on transcript NM_014000.3 (MANE Select); coding-DNA position 2818, C replaced by T.
Protein change: p.Pro940Ser; replaces proline 940 with serine.
Molecular consequence: missense variant. On other transcripts: intron variant (1).
Genome position (GRCh38, 1-based): chr10:74,111,981, C>T. VCF-style: chr10-74111981-C-T. GRCh37 (hg19) VCF-style: chr10-75871739-C-T.
Other names: c.2746-2203C>T (NM_003373.4); short protein forms P940S.
Identifiers: ClinVar variation 2586040 (VCV002586040.4), dbSNP rs2549235896, ClinGen allele CA377264665.
Genomic context (GRCh38, chr10:74,111,981, plus strand): 5'-GCCGCTGAGGTGGGTATAGGTGTTGTAGCTGAGGCAGATGCGGCCGATGCTGCTGGCTTC[C>T]CTGTCCCCCCTGACATGGAAGACGATTACGAACCTGAGCTGCTGTTAATGCCATCCAATC-3'
Protein context (NP_054706.1, residues 930-950): EADAADAAGF[Pro940Ser]VPPDMEDDYE

ClinVar aggregate classification (germline): Uncertain significance. Review status: criteria provided, multiple submitters, no conflicts (2 of 4 stars). 2 submissions from 2 submitters: Uncertain significance (2). Last evaluated 2024-06-28.

Conditions:
Cardiovascular phenotype. Identifiers: MedGen CN230736.
Dilated cardiomyopathy 1W (CMD1W). Identifiers: Orphanet 154, MedGen C1969639, MONDO:0012667, OMIM 611407.

Allele frequency attached by ClinVar (database versions not stated): gnomAD exomes below 0.00001.
gnomAD v4.1: 1 of 1,614,204 alleles (0.000062%); highest among the groups gnomAD compares: Non-Finnish European, 0.000085%; no homozygotes.

Submissions (2):

Labcorp Genetics (formerly Invitae), Labcorp
Classification: Uncertain significance for Dilated cardiomyopathy 1W. Last evaluated: 2024-06-28. Review status: criteria provided, single submitter. Criteria: Invitae Variant Classification Sherloc (09022015). Collection method: clinical testing. Allele origin: germline.
Comment: This sequence change replaces proline, which is neutral and non-polar, with serine, which is neutral and polar, at codon 940 of the VCL protein (p.Pro940Ser). This variant is not present in population databases (gnomAD no frequency). This variant has not been reported in the literature in individuals affected with VCL-related conditions. ClinVar contains an entry for this variant (Variation ID: 2586040). Algorithms developed to predict the effect of missense changes on protein structure and function output the following: SIFT: "Not Available"; PolyPhen-2: "Benign"; Align-GVGD: "Not Available". The serine amino acid residue is found in multiple mammalian species, which suggests that this missense change does not adversely affect protein function. In summary, the available evidence is currently insufficient to determine the role of this variant in disease. Therefore, it has been classified as a Variant of Uncertain Significance.

Ambry Genetics
Classification: Uncertain significance for Cardiovascular phenotype. Last evaluated: 2023-07-13. Review status: criteria provided, single submitter. Criteria: Ambry Variant Classification Scheme 2023. Collection method: clinical testing. Allele origin: germline.
Comment: The p.P940S variant (also known as c.2818C>T), located in coding exon 19 of the VCL gene, results from a C to T substitution at nucleotide position 2818. The proline at codon 940 is replaced by serine, an amino acid with similar properties. This amino acid position is conserved. In addition, this alteration is predicted to be tolerated by in silico analysis. Since supporting evidence is limited at this time, the clinical significance of this alteration remains unclear.